The following is an entry in ClinVar:

ClinVar aggregate classification (germline): Conflicting classifications of pathogenicity. Review status: criteria provided, conflicting classifications (1 of 4 stars). 2 submissions from 2 submitters: Uncertain significance (1); Likely benign (1). Last evaluated 2026-01-01.

gnomAD v4.1: 25 of 1,205,664 alleles (0.0021%); highest among the groups gnomAD compares: South Asian, 0.0053%; no homozygotes.

Submissions (2):

CeGaT Center for Human Genetics Tuebingen
Classification: Likely benign. Last evaluated: 2026-01-01. Review status: criteria provided, single submitter. Criteria: CeGaT Center For Human Genetics Tuebingen Variant Classification Criteria Version 2. Collection method: clinical testing. Allele origin: germline. Affected: yes. Observed: 1 variant allele.
Comment: PGK1: BS2

Labcorp Genetics (formerly Invitae), Labcorp
Classification: Uncertain significance. Last evaluated: 2025-08-18. Review status: criteria provided, single submitter. Criteria: Invitae Variant Classification Sherloc (09022015). Collection method: clinical testing. Allele origin: germline.
Comment: This sequence change replaces serine, which is neutral and polar, with leucine, which is neutral and non-polar, at codon 57 of the PGK1 protein (p.Ser57Leu). This variant is present in population databases (rs200132648, gnomAD 0.008%), including at least one homozygous and/or hemizygous individual. This variant has not been reported in the literature in individuals affected with PGK1-related conditions. An algorithm developed to predict the effect of missense changes on protein structure and function (PolyPhen-2) suggests that this variant is likely to be disruptive. In summary, the available evidence is currently insufficient to determine the role of this variant in disease. Therefore, it has been classified as a Variant of Uncertain Significance.

NM_000291.4(PGK1):c.170C>T (p.Ser57Leu)

Gene: PGK1 (phosphoglycerate kinase 1; plus strand). Cytogenetic location: Xq21.1.
Variant type: single nucleotide variant.
Coding change: c.170C>T on transcript NM_000291.4 (MANE Select); coding-DNA position 170, C replaced by T.
Protein change: p.Ser57Leu; replaces serine 57 with leucine.
Molecular consequence: missense variant.
Genome position (GRCh38, 1-based): chrX:78,113,797, C>T. VCF-style: chrX-78113797-C-T. GRCh37 (hg19) VCF-style: chrX-77369294-C-T.
Other names: short protein forms S57L.
Identifiers: ClinVar variation 4695815 (VCV004695815.5).